The following is an entry in ClinVar:

NM_001243351.2(NUB1):c.598+6C>T

Gene: NUB1 (negative regulator of ubiquitin like proteins 1; plus strand). Cytogenetic location: 7q36.1.
Variant type: single nucleotide variant.
Coding change: c.598+6C>T on transcript NM_001243351.2 (MANE Select); 6 bases into the intron after coding-DNA position 598, C replaced by T.
Molecular consequence: intron variant.
Genome position (GRCh38, 1-based): chr7:151,355,956, C>T. VCF-style: chr7-151355956-C-T. GRCh37 (hg19) VCF-style: chr7-151053042-C-T.
Other names: c.598+6C>T (NM_001363529.2, NM_001385353.1, NM_001385356.1 and 4 more transcripts).
Identifiers: ClinVar variation 2658191 (VCV002658191.24), dbSNP rs201576249, ClinGen allele CA4575989.

ClinVar aggregate classification (germline): Likely benign (1 of 4 stars; one submission).

Allele frequency attached by ClinVar (database versions not stated): ExAC 0.00003.
gnomAD v4.1: 48 of 1,613,108 alleles (0.003%); highest among the groups gnomAD compares: Non-Finnish European, 0.0037%; no homozygotes.

Submission:

CeGaT Center for Human Genetics Tuebingen
Classification: Likely benign. Last evaluated: 2022-09-01. Review status: criteria provided, single submitter. Criteria: CeGaT Center For Human Genetics Tuebingen Variant Classification Criteria Version 2. Collection method: clinical testing. Allele origin: germline. Affected: yes. Observed: 1 variant allele.
Comment: NUB1: BP4